The following is an entry in ClinVar:

ClinVar aggregate classification (germline): Pathogenic/Likely pathogenic. Review status: criteria provided, multiple submitters, no conflicts (2 of 4 stars). 2 submissions from 2 submitters: Pathogenic (1); Likely pathogenic (1). Last evaluated 2024-12-20.

Conditions:
Neutral lipid storage myopathy (NLSDM). Also called: NEUTRAL LIPID STORAGE DISEASE WITHOUT ICHTHYOSIS. Identifiers: Orphanet 98908, MedGen C1853136, MONDO:0012545, OMIM 610717.

Submissions (2):

Greenwood Genetic Center Diagnostic Laboratories, Greenwood Genetic Center
Classification: Likely pathogenic for Neutral lipid storage myopathy. Last evaluated: 2024-12-20. Review status: criteria provided, single submitter. Criteria: ACMG Guidelines, 2015. Collection method: clinical testing. Allele origin: germline. Affected: yes.
Comment: PVS1, PM2

Labcorp Genetics (formerly Invitae), Labcorp
Classification: Pathogenic for Neutral lipid storage myopathy. Last evaluated: 2024-09-19. Review status: criteria provided, single submitter. Criteria: Invitae Variant Classification Sherloc (09022015). Collection method: clinical testing. Allele origin: germline.
Comment: This sequence change creates a premature translational stop signal (p.Arg351Alafs*16) in the PNPLA2 gene. It is expected to result in an absent or disrupted protein product. Loss-of-function variants in PNPLA2 are known to be pathogenic (PMID: 17187067). This variant is not present in population databases (gnomAD no frequency). This premature translational stop signal has been observed in individual(s) with PNPLA2-related conditions (PMID: 21544567). For these reasons, this variant has been classified as Pathogenic.

Literature cited by the submitters: PubMed 17187067 (cited by Labcorp Genetics (formerly Invitae), Labcorp); PubMed 21544567 (cited by Labcorp Genetics (formerly Invitae), Labcorp).

NM_020376.4(PNPLA2):c.1051del (p.Arg351fs)

Gene: PNPLA2 (patatin like domain 2, triacylglycerol lipase; plus strand). Cytogenetic location: 11p15.5.
Variant type: Deletion.
Coding change: c.1051del on transcript NM_020376.4 (MANE Select); coding-DNA position 1051, one base deleted (C; older notation c.1051delC).
Protein change: p.Arg351fs; shifts the reading frame from arginine 351.
Molecular consequence: frameshift variant.
Genome position (GRCh38, 1-based): chr11:824,129, C deleted; the last of 2 consecutive C bases (chr11:824,128-824,129); deleting either gives the same sequence. VCF-style (leftmost placement, unchanged base first): chr11-824127-TC-T. GRCh37 (hg19) VCF-style: chr11-824127-TC-T.
Other names: short protein forms R351fs.
Identifiers: ClinVar variation 3720981 (VCV003720981.3).